The following is an entry in ClinVar:

ClinVar aggregate classification (germline): Likely benign (0 of 4 stars; one submission).

Conditions:
SGCD-related disorder. Also called: SGCD-related condition.

Allele frequency attached by ClinVar (database versions not stated): ExAC 0.00004; gnomAD 0.00014; TOPMed 0.00015; 1000 Genomes Project 30x 0.00031; 1000 Genomes Project 0.00040.
gnomAD v4.1: 36 of 1,344,356 alleles (0.0027%); highest among the groups gnomAD compares: African/African-American, 0.036%; 1 homozygote.

Submission:

PreventionGenetics, part of Exact Sciences
Classification: Likely benign for SGCD-related condition. Last evaluated: 2022-02-01. Review status: no assertion criteria provided. Collection method: clinical testing. Allele origin: germline.
Comment: This variant is classified as likely benign based on ACMG/AMP sequence variant interpretation guidelines (Richards et al. 2015 PMID: 25741868, with internal and published modifications).

NM_000337.6(SGCD):c.383-40C>T

Gene: SGCD (sarcoglycan delta; plus strand). Cytogenetic location: 5q33.3.
Variant type: single nucleotide variant.
Coding change: c.383-40C>T on transcript NM_000337.6 (MANE Select); 40 bases into the intron before coding-DNA position 383, C replaced by T.
Molecular consequence: intron variant.
Genome position (GRCh38, 1-based): chr5:156,594,892, C>T. VCF-style: chr5-156594892-C-T. GRCh37 (hg19) VCF-style: chr5-156021902-C-T.
Other names: c.380-40C>T (NM_001128209.2); c.383-40C>T (NM_172244.3).
Identifiers: ClinVar variation 3036808 (VCV003036808.2), dbSNP rs551882107, ClinGen allele CA3530582.